The following is an entry in ClinVar:

NM_006160.4(NEUROD2):c.998C>T (p.Pro333Leu)

Gene: NEUROD2 (neuronal differentiation 2; minus strand). Cytogenetic location: 17q12.
Variant type: single nucleotide variant.
Coding change: c.998C>T on transcript NM_006160.4 (MANE Select); coding-DNA position 998, C replaced by T.
Protein change: p.Pro333Leu; replaces proline 333 with leucine.
Molecular consequence: missense variant.
Genome position (GRCh38, 1-based): chr17:39,605,602, G>A on the plus strand (C>T on the coding strand, the complement: NEUROD2 is on the minus strand). VCF-style: chr17-39605602-G-A. GRCh37 (hg19) VCF-style: chr17-37761855-G-A.
Other names: short protein forms P333L.
Identifiers: ClinVar variation 3899002 (VCV003899002.1).

ClinVar aggregate classification (germline): Uncertain significance (1 of 4 stars; one submission).

Submission:

GeneDx
Classification: Uncertain significance. Last evaluated: 2024-11-06. Review status: criteria provided, single submitter. Criteria: GeneDx Variant Classification Process June 2021. Collection method: clinical testing. Allele origin: germline. Affected: yes.
Comment: Has not been previously published as pathogenic or benign to our knowledge; Not observed at significant frequency in large population cohorts (gnomAD); In silico analysis supports that this missense variant has a deleterious effect on protein structure/function